The following is an entry in ClinVar:

NM_139321.3(ATRN):c.2249A>C (p.Asp750Ala)

Gene: ATRN (attractin; plus strand). Cytogenetic location: 20p13.
Variant type: single nucleotide variant.
Coding change: c.2249A>C on transcript NM_139321.3 (MANE Select); coding-DNA position 2249, A replaced by C.
Protein change: p.Asp750Ala; replaces aspartic acid 750 with alanine.
Molecular consequence: missense variant.
Genome position (GRCh38, 1-based): chr20:3,576,893, A>C. VCF-style: chr20-3576893-A-C. GRCh37 (hg19) VCF-style: chr20-3557540-A-C.
Other names: c.2249A>C (NM_139321.2); c.1901A>C, p.Asp634Ala (NM_001207047.3); c.2249A>C, p.Asp750Ala (NM_001323332.2, NM_139322.4); short protein forms D750A, D634A.
Identifiers: ClinVar variation 1437113 (VCV001437113.8), dbSNP rs1247035167, ClinGen allele CA408095655.
Genomic context (GRCh38, chr20:3,576,893, plus strand): 5'-AAAAGCTTTTGTCCACTGTGTTCTAGATCTCCATTTTTAGGTATGAGAATTGCCCCAAGG[A>C]TAACCCCATGTACTACTGTAACAAGAAGACCAGCTGCAGGAGCTGTGCCCTGGACCAGAA-3'
Protein context (NP_647537.1, residues 740-760): SIFRYENCPK[Asp750Ala]NPMYYCNKKT

ClinVar aggregate classification (germline): Uncertain significance. Review status: criteria provided, multiple submitters, no conflicts (2 of 4 stars). 2 submissions from 2 submitters: Uncertain significance (2). Last evaluated 2025-12-22.

Allele frequency attached by ClinVar (database versions not stated): gnomAD exomes below 0.00001 and 0.00001; gnomAD 0.00003.
gnomAD v4.1: 12 of 1,614,048 alleles (0.00074%); highest among the groups gnomAD compares: Admixed American, 0.017%; no homozygotes.

Submissions (2):

Ambry Genetics
Classification: Uncertain significance. Last evaluated: 2025-12-22. Review status: criteria provided, single submitter. Criteria: Ambry Variant Classification Scheme 2023. Collection method: clinical testing. Allele origin: germline.

Labcorp Genetics (formerly Invitae), Labcorp
Classification: Uncertain significance. Last evaluated: 2024-02-24. Review status: criteria provided, single submitter. Criteria: Invitae Variant Classification Sherloc (09022015). Collection method: clinical testing. Allele origin: germline.
Comment: This sequence change replaces aspartic acid, which is acidic and polar, with alanine, which is neutral and non-polar, at codon 750 of the ATRN protein (p.Asp750Ala). This variant is present in population databases (no rsID available, gnomAD 0.006%). This variant has not been reported in the literature in individuals affected with ATRN-related conditions. ClinVar contains an entry for this variant (Variation ID: 1437113). An algorithm developed to predict the effect of missense changes on protein structure and function (PolyPhen-2) suggests that this variant is likely to be tolerated. In summary, the available evidence is currently insufficient to determine the role of this variant in disease. Therefore, it has been classified as a Variant of Uncertain Significance.